The following is an entry in ClinVar:

ClinVar aggregate classification (germline): Likely benign. Review status: criteria provided, multiple submitters, no conflicts (2 of 4 stars). 3 submissions from 3 submitters: Likely benign (2). 1 of the submissions does not count toward it. Last evaluated 2026-01-06.

Conditions:
RPL31-related condition.

Allele frequency attached by ClinVar (database versions not stated): 1000 Genomes Project 0.00040; 1000 Genomes Project 30x 0.00047; ExAC 0.00114; gnomAD 0.00117; TOPMed 0.00120; ESP Exome Variant Server 0.00146.
gnomAD v4.1: 2,466 of 1,613,312 alleles (0.15%); highest among the groups gnomAD compares: Non-Finnish European, 0.19%; 3 homozygotes.

Submissions (3):

Labcorp Genetics (formerly Invitae), Labcorp
Classification: Likely benign. Last evaluated: 2026-01-06. Review status: criteria provided, single submitter. Criteria: Invitae Variant Classification Sherloc (09022015). Collection method: clinical testing. Allele origin: germline.

Blueprint Genetics
Classification: Likely benign. Last evaluated: 2024-10-28. Review status: criteria provided, single submitter. Criteria: ACMG Guidelines, 2015. Collection method: clinical testing. Allele origin: germline.

PreventionGenetics, part of Exact Sciences
Classification: Likely benign for RPL31-related condition. Last evaluated: 2024-04-16. Review status: no assertion criteria provided. Collection method: clinical testing. Allele origin: germline. Not counted in ClinVar's aggregate classification.
Comment: This variant is classified as likely benign based on ACMG/AMP sequence variant interpretation guidelines (Richards et al. 2015 PMID: 25741868, with internal and published modifications).

NM_000993.5(RPL31):c.335C>A (p.Thr112Asn)

Gene: RPL31 (ribosomal protein L31; plus strand). Cytogenetic location: 2q11.2.
Variant type: single nucleotide variant.
Coding change: c.335C>A on transcript NM_000993.5 (MANE Select); coding-DNA position 335, C replaced by A.
Protein change: p.Thr112Asn; replaces threonine 112 with asparagine.
Molecular consequence: missense variant.
Genome position (GRCh38, 1-based): chr2:101,006,060, C>A. VCF-style: chr2-101006060-C-A. GRCh37 (hg19) VCF-style: chr2-101622522-C-A.
Other names: c.335C>A, p.Thr112Asn (NM_001098577.3, NM_001098578.1, NM_001099693.2); c.335C>A (NM_001098577.2); short protein forms T112N.
Identifiers: ClinVar variation 2053046 (VCV002053046.6), dbSNP rs148028338, ClinGen allele CA1804263.